The following is an entry in ClinVar:

NM_007289.4(MME):c.228del (p.Thr77fs)

Gene: MME (membrane metalloendopeptidase; plus strand). Cytogenetic location: 3q25.2.
Variant type: Deletion.
Coding change: c.228del on transcript NM_007289.4 (MANE Select); coding-DNA position 228, one base deleted (C; older notation c.228delC).
Protein change: p.Thr77fs; shifts the reading frame from threonine 77.
Molecular consequence: frameshift variant.
Genome position (GRCh38, 1-based): chr3:155,115,025, C deleted; the last of 2 consecutive C bases (chr3:155,115,024-155,115,025); deleting either gives the same sequence. VCF-style (leftmost placement, unchanged base first): chr3-155115023-AC-A. GRCh37 (hg19) VCF-style: chr3-154832812-AC-A.
Other names: c.228del, p.Thr77fs (NM_000902.5, NM_001354642.2, NM_001354643.1 and 2 more transcripts); short protein forms T77fs.
Identifiers: ClinVar variation 3703214 (VCV003703214.2).
Genomic context (GRCh38, chr3:155,115,023, plus strand): 5'-ATTTTATCTAGTGTTTTCTCTGCTCTTGCAGCTGCTCGACTGATCCAAAACATGGATGCC[AC>A]CACTGAGCCTTGTACAGACTTTTTCAAATATGCTTGCGGAGGCTGGTTGAAACGTAATGT-3'

ClinVar aggregate classification (germline): Pathogenic (1 of 4 stars; one submission).

Submission:

Labcorp Genetics (formerly Invitae), Labcorp
Classification: Pathogenic. Last evaluated: 2025-08-19. Review status: criteria provided, single submitter. Criteria: Invitae Variant Classification Sherloc (09022015). Collection method: clinical testing. Allele origin: germline.
Comment: This sequence change creates a premature translational stop signal (p.Thr77Leufs*16) in the MME gene. It is expected to result in an absent or disrupted protein product. Loss-of-function variants in MME are known to be pathogenic (PMID: 26991897). This variant is not present in population databases (gnomAD no frequency). This premature translational stop signal has been observed in individual(s) with Charcot-Marie-Tooth disease (PMID: 30415211). ClinVar contains an entry for this variant (Variation ID: 3703214). For these reasons, this variant has been classified as Pathogenic.

Literature cited by the submitters: PubMed 26991897; PubMed 30415211.